The following is an entry in ClinVar:

NM_201384.3(PLEC):c.11016C>G (p.Ser3672Arg)

Gene: PLEC (plectin; minus strand). Cytogenetic location: 8q24.3.
Variant type: single nucleotide variant.
Coding change: c.11016C>G on transcript NM_201384.3 (MANE Select); coding-DNA position 11016, C replaced by G.
Protein change: p.Ser3672Arg; replaces serine 3672 with arginine.
Molecular consequence: missense variant.
Genome position (GRCh38, 1-based): chr8:143,918,805, G>C on the plus strand (C>G on the coding strand, the complement: PLEC is on the minus strand). VCF-style: chr8-143918805-G-C. GRCh37 (hg19) VCF-style: chr8-144992973-G-C.
Other names: c.11097C>G, p.Ser3699Arg (NM_000445.5); c.10974C>G, p.Ser3658Arg (NM_201378.4); c.10950C>G, p.Ser3650Arg (NM_201379.3); c.11427C>G, p.Ser3809Arg (NM_201380.4); c.10920C>G, p.Ser3640Arg (NM_201381.3); c.11016C>G, p.Ser3672Arg (NM_201382.4); c.11028C>G, p.Ser3676Arg (NM_201383.3); short protein forms S3640R, S3650R, S3658R, S3672R, S3676R, S3809R, S3699R.
Identifiers: ClinVar variation 471520 (VCV000471520.9), dbSNP rs376687476, ClinGen allele CA4924459.
Genomic context (GRCh38, chr8:143,918,805, plus strand): 5'-CACGGAGCCCGTGCCATAGAGGTAGCACCAGGCGGACTCCGCCTCGAGAGCCTCACGGAG[G>C]CTCCTGGTGCCCTCCCGGAGCAGGTTGTAGGTCTCGAGAGAGATGATCCGAGCCTCGAAC-3'
Protein context (NP_958786.1, residues 3662-3682): TYNLLREGTR[Ser3672Arg]LREALEAESA

ClinVar aggregate classification (germline): Uncertain significance (1 of 4 stars; one submission).

Conditions:
Epidermolysis bullosa simplex with nail dystrophy (EBS5D). Identifiers: MedGen C4225309, MONDO:0014661, OMIM 616487.
Epidermolysis bullosa simplex, Ogna type (EBS5A). Also called: Pidermolysis bullosa simplex 5A, Ogna type; EPIDERMOLYSIS BULLOSA SIMPLEX 5A, OGNA TYPE. Identifiers: Orphanet 79401, MedGen C0432317, MONDO:0007555, OMIM 131950.
Autosomal recessive limb-girdle muscular dystrophy type 2Q (LGMDR17). Also called: MUSCULAR DYSTROPHY, LIMB-GIRDLE, AUTOSOMAL RECESSIVE 17. Identifiers: Orphanet 254361, MedGen C3150989, MONDO:0013390, OMIM 613723.
Epidermolysis bullosa simplex 5C, with pyloric atresia (EBS5C). Also called: PLEC-Related Epidermolysis Bullosa with Pyloric Atresia; Epidermolysis bullosa simplex with pyloric atresia; PLEC1-Related Epidermolysis Bullosa with Pyloric Atresia. Identifiers: Orphanet 158684, MedGen C2677349, MONDO:0012807, OMIM 612138.
Epidermolysis bullosa simplex 5B, with muscular dystrophy (EBS5B). Also called: EPIDERMOLYSIS BULLOSA SIMPLEX AND LIMB-GIRDLE MUSCULAR DYSTROPHY; Epidermolysis bullosa simplex with muscular dystrophy. Identifiers: Orphanet 257, MedGen C2931072, MONDO:0009181, OMIM 226670.

Allele frequency attached by ClinVar (database versions not stated): ExAC 0.00001; TOPMed 0.00001; gnomAD 0.00002; ESP Exome Variant Server 0.00008.
gnomAD v4.1: 7 of 1,613,074 alleles (0.00043%); highest among the groups gnomAD compares: Non-Finnish European, 0.00059%; no homozygotes.

Submission:

Labcorp Genetics (formerly Invitae), Labcorp
Classification: Uncertain significance for Autosomal recessive limb-girdle muscular dystrophy type 2Q; Epidermolysis bullosa simplex, Ogna type; Epidermolysis bullosa simplex with nail dystrophy; Epidermolysis bullosa simplex 5C, with pyloric atresia; Epidermolysis bullosa simplex 5B, with muscular dystrophy. Last evaluated: 2017-05-15. Review status: criteria provided, single submitter. Criteria: Invitae Variant Classification Sherloc (09022015). Collection method: clinical testing. Allele origin: germline.
Comment: This sequence change replaces serine with arginine at codon 3699 of the PLEC protein (p.Ser3699Arg). The serine residue is moderately conserved and there is a moderate physicochemical difference between serine and arginine. This variant is present in population databases (rs376687476, ExAC 0.002%) but has not been reported in the literature in individuals with a PLEC-related disease. Algorithms developed to predict the effect of missense changes on protein structure and function do not agree on the potential impact of this missense change (SIFT: "Deleterious"; PolyPhen-2: "Possibly Damaging"; Align-GVGD: "Class C0"). In summary, this variant is a rare missense change with uncertain impact on protein function. There is no indication that it causes disease, but the available evidence is currently insufficient to prove that conclusively. Therefore, it has been classified as a Variant of Uncertain Significance.